The following is an entry in ClinVar:

ClinVar aggregate classification (germline): Uncertain significance. Review status: criteria provided, multiple submitters, no conflicts (2 of 4 stars). 2 submissions from 2 submitters: Uncertain significance (2). Last evaluated 2026-06-11.

Conditions:
Benign neonatal seizures. Also called: Benign familial neonatal seizures; Convulsions benign familial neonatal dominant form; Autosomal dominant form of benign neonatal seizures; Benign neonatal familial convulsions; Benign familial neonatal epilepsy. Identifiers: Orphanet 1949, MedGen C0220669, MONDO:0016027.

Submissions (2):

Women's Health and Genetics/Laboratory Corporation of America, LabCorp
Classification: Uncertain significance. Last evaluated: 2026-06-11. Review status: criteria provided, single submitter. Criteria: LabCorp Variant Classification Summary - May 2015. Collection method: clinical testing. Allele origin: germline.
Comment: Variant summary: KCNQ3 c.2329delC (p.Arg777GlyfsX16) results in a premature termination codon, predicted to cause a truncation of the encoded protein but is not expected to cause nonsense mediated decay. The variant was absent in 251098 control chromosomes (gnomAD). The available data on variant occurrences in the general population are insufficient to allow any conclusion about variant significance. To our knowledge, no occurrence of c.2329delC in individuals affected with KCNQ3-related conditions and no experimental evidence demonstrating its impact on protein function have been reported. ClinVar contains an entry for this variant (Variation ID: 2020420). Based on the evidence outlined above, the variant was classified as uncertain significance.

Labcorp Genetics (formerly Invitae), Labcorp
Classification: Uncertain significance for Benign neonatal seizures. Last evaluated: 2023-01-17. Review status: criteria provided, single submitter. Criteria: Invitae Variant Classification Sherloc (09022015). Collection method: clinical testing. Allele origin: germline.
Comment: In summary, the available evidence is currently insufficient to determine the role of this variant in disease. Therefore, it has been classified as a Variant of Uncertain Significance. This variant disrupts a region of the KCNQ3 protein in which other variant(s) (p.Pro871Ala) have been observed in individuals with KCNQ3-related conditions (Invitae). This suggests that this is a clinically significant region of the protein, and that variants that disrupt it are likely to be disease-causing. Experimental studies and prediction algorithms are not available or were not evaluated, and the functional significance of this variant is currently unknown. This variant has not been reported in the literature in individuals affected with KCNQ3-related conditions. This variant is not present in population databases (gnomAD no frequency). This sequence change creates a premature translational stop signal (p.Arg777Glyfs*16) in the KCNQ3 gene. While this is not anticipated to result in nonsense mediated decay, it is expected to disrupt the last 96 amino acid(s) of the KCNQ3 protein.

NM_004519.4(KCNQ3):c.2329del (p.Arg777fs)

Gene: KCNQ3 (potassium voltage-gated channel subfamily Q member 3; minus strand). Cytogenetic location: 8q24.22.
Variant type: Deletion.
Coding change: c.2329del on transcript NM_004519.4 (MANE Select); coding-DNA position 2329, one base deleted (C; older notation c.2329delC).
Protein change: p.Arg777fs; shifts the reading frame from arginine 777.
Molecular consequence: frameshift variant.
Genome position (GRCh38, 1-based): chr8:132,129,552, G deleted on the plus strand (C on the coding strand, the reverse complement: KCNQ3 is on the minus strand); the first of 6 consecutive G bases (chr8:132,129,552-132,129,557); deleting any one gives the same sequence. VCF-style (leftmost placement, unchanged base first): chr8-132129551-CG-C. GRCh37 (hg19) VCF-style: chr8-133141798-CG-C.
Other names: c.2329delC (NM_004519.4); c.1969del, p.Arg657fs (NM_001204824.2); short protein forms R657fs, R777fs.
Identifiers: ClinVar variation 2020420 (VCV002020420.5), dbSNP rs747993516, ClinGen allele CA645559556.